The following is an entry in ClinVar:

NM_004655.4(AXIN2):c.607G>C (p.Gly203Arg)

Gene: AXIN2 (axin 2; minus strand). Cytogenetic location: 17q24.1.
Variant type: single nucleotide variant.
Coding change: c.607G>C on transcript NM_004655.4 (MANE Select); coding-DNA position 607, G replaced by C.
Protein change: p.Gly203Arg; replaces glycine 203 with arginine.
Molecular consequence: missense variant.
Genome position (GRCh38, 1-based): chr17:65,558,014, C>G on the plus strand (G>C on the coding strand, the complement: AXIN2 is on the minus strand). VCF-style: chr17-65558014-C-G. GRCh37 (hg19) VCF-style: chr17-63554132-C-G.
Other names: c.607G>C, p.Gly203Arg (NM_001363813.1); short protein forms G203R.
Identifiers: ClinVar variation 955993 (VCV000955993.18), dbSNP rs62640027, ClinGen allele CA8719021.

ClinVar aggregate classification (germline): Conflicting classifications of pathogenicity. Review status: criteria provided, conflicting classifications (1 of 4 stars). 6 submissions from 6 submitters: Uncertain significance (5); Likely benign (1). Last evaluated 2025-07-15.

Conditions:
Hereditary cancer-predisposing syndrome. Also called: Hereditary neoplastic syndrome; Tumor predisposition; Neoplastic Syndromes, Hereditary; Hereditary Cancer Syndrome. Identifiers: Orphanet 140162, MedGen C0027672, MeSH D009386, MONDO:0015356.
Oligodontia-cancer predisposition syndrome. Also called: TOOTH AGENESIS-COLORECTAL CANCER SYNDROME. Identifiers: Orphanet 300576, MedGen C1837750, MONDO:0012075, OMIM 608615. Disease mechanism: loss of function.
Colorectal cancer. Also called: Colorectal cancer, somatic; Malignant Colorectal Neoplasm. Identifiers: MedGen C0346629, MONDO:0005575, OMIM 114500.

Submissions (6):

GeneDx
Classification: Uncertain significance. Last evaluated: 2025-07-15. Review status: criteria provided, single submitter. Criteria: GeneDx Variant Classification Process June 2021. Collection method: clinical testing. Allele origin: germline. Affected: yes.
Comment: In silico analysis supports that this missense variant has a deleterious effect on protein structure/function; Observed in an individual with breast cancer (PMID: 39541563); This variant is associated with the following publications: (PMID: 39541563)

Labcorp Genetics (formerly Invitae), Labcorp
Classification: Uncertain significance for Oligodontia-cancer predisposition syndrome. Last evaluated: 2025-05-28. Review status: criteria provided, single submitter. Criteria: Invitae Variant Classification Sherloc (09022015). Collection method: clinical testing. Allele origin: germline.
Comment: This sequence change replaces glycine, which is neutral and non-polar, with arginine, which is basic and polar, at codon 203 of the AXIN2 protein (p.Gly203Arg). This variant is present in population databases (rs62640027, gnomAD 0.03%). This variant has not been reported in the literature in individuals affected with AXIN2-related conditions. ClinVar contains an entry for this variant (Variation ID: 955993). Invitae Evidence Modeling of protein sequence and biophysical properties (such as structural, functional, and spatial information, amino acid conservation, physicochemical variation, residue mobility, and thermodynamic stability) indicates that this missense variant is expected to disrupt AXIN2 protein function with a positive predictive value of 80%. In summary, the available evidence is currently insufficient to determine the role of this variant in disease. Therefore, it has been classified as a Variant of Uncertain Significance.

Center for Genomic Medicine, Rigshospitalet, Copenhagen University Hospital
Classification: Uncertain significance. Last evaluated: 2025-03-04. Review status: criteria provided, single submitter. Criteria: ACMG Guidelines, 2015. Collection method: clinical testing. Allele origin: germline.

Ambry Genetics
Classification: Likely benign for Hereditary cancer-predisposing syndrome. Last evaluated: 2024-06-17. Review status: criteria provided, single submitter. Criteria: Ambry Variant Classification Scheme 2023. Collection method: clinical testing. Allele origin: germline.

Fulgent Genetics
Classification: Uncertain significance for Colorectal cancer; Oligodontia-cancer predisposition syndrome. Last evaluated: 2024-02-28. Review status: criteria provided, single submitter. Criteria: ACMG Guidelines, 2015. Collection method: clinical testing. Allele origin: germline.

Neuberg Centre For Genomic Medicine, NCGM
Classification: Uncertain significance for Oligodontia-cancer predisposition syndrome. Last evaluated: 2023-02-14. Review status: criteria provided, single submitter. Criteria: ACMG Guidelines, 2015. Collection method: clinical testing. Allele origin: germline. Inheritance: Autosomal dominant inheritance. Affected: yes.